The following is an entry in ClinVar:

NM_178510.2(ANKK1):c.10G>T (p.Asp4Tyr)

Gene: ANKK1 (ankyrin repeat and kinase domain containing 1; plus strand). Cytogenetic location: 11q23.2.
Variant type: single nucleotide variant.
Coding change: c.10G>T on transcript NM_178510.2 (MANE Select); coding-DNA position 10, G replaced by T.
Protein change: p.Asp4Tyr; replaces aspartic acid 4 with tyrosine.
Molecular consequence: missense variant.
Genome position (GRCh38, 1-based): chr11:113,387,894, G>T. VCF-style: chr11-113387894-G-T. GRCh37 (hg19) VCF-style: chr11-113258616-G-T.
Other names: short protein forms D4Y.
Identifiers: ClinVar variation 3044435 (VCV003044435.2), dbSNP rs35657708, ClinGen allele CA6280468.

ClinVar aggregate classification (germline): Likely benign (0 of 4 stars; one submission).

Conditions:
ANKK1-related disorder. Also called: ANKK1-related condition.

Allele frequency attached by ClinVar (database versions not stated): gnomAD 0.00153; ESP Exome Variant Server 0.00155; 1000 Genomes Project 30x 0.00156; 1000 Genomes Project 0.00180; gnomAD exomes 0.00227; ExAC 0.00570.

Submission:

PreventionGenetics, part of Exact Sciences
Classification: Likely benign for ANKK1-related condition. Last evaluated: 2022-04-22. Review status: no assertion criteria provided. Collection method: clinical testing. Allele origin: germline.
Comment: This variant is classified as likely benign based on ACMG/AMP sequence variant interpretation guidelines (Richards et al. 2015 PMID: 25741868, with internal and published modifications).